The following is an entry in ClinVar:

ClinVar aggregate classification (germline): Likely benign. Review status: criteria provided, multiple submitters, no conflicts (2 of 4 stars). 2 submissions from 2 submitters: Likely benign (2). Last evaluated 2025-08-15.

Allele frequency attached by ClinVar (database versions not stated): ExAC 0.00001; gnomAD 0.00001; gnomAD exomes 0.00001; TOPMed 0.00001.
gnomAD v4.1: 16 of 1,613,900 alleles (0.00099%); highest among the groups gnomAD compares: East Asian, 0.0067%; no homozygotes.

Submissions (2):

Mayo Clinic Laboratories, Mayo Clinic
Classification: Likely benign. Last evaluated: 2025-08-15. Review status: criteria provided, single submitter. Criteria: ACMG Guidelines, 2015. Collection method: clinical testing. Allele origin: germline. Observed: 1 variant allele.
Comment: BP4, BP7

Labcorp Genetics (formerly Invitae), Labcorp
Classification: Likely benign. Last evaluated: 2023-04-20. Review status: criteria provided, single submitter. Criteria: Invitae Variant Classification Sherloc (09022015). Collection method: clinical testing. Allele origin: germline.

NM_139027.6(ADAMTS13):c.540-9C>T

Gene: ADAMTS13 (ADAM metallopeptidase with thrombospondin type 1 motif 13; plus strand). Cytogenetic location: 9q34.2.
Variant type: single nucleotide variant.
Coding change: c.540-9C>T on transcript NM_139027.6 (MANE Select); 9 bases into the intron before coding-DNA position 540, C replaced by T.
Molecular consequence: intron variant.
Genome position (GRCh38, 1-based): chr9:133,426,190, C>T. VCF-style: chr9-133426190-C-T. GRCh37 (hg19) VCF-style: chr9-136291310-C-T.
Other names: p.?; c.540-9C>T (NM_139025.5, NM_139026.6, NM_139025.4).
Identifiers: ClinVar variation 3001683 (VCV003001683.4), dbSNP rs782709084, ClinGen allele CA200922176.
Genomic context (GRCh38, chr9:133,426,190, plus strand): 5'-TCTGCAAAGGTGACCCCAGGGCAGGCACGTGCCTTGGCACCACCCAAGTGACTGTTTTCT[C>T]TCACCGAGGTTTGACCTGGAGTTGCCTGATGGTAACCGGCAGGTGCGGGGCGTCACCCAG-3'